The following is an entry in ClinVar:

ClinVar aggregate classification (germline): Uncertain significance. Review status: criteria provided, multiple submitters, no conflicts (2 of 4 stars). 3 submissions from 3 submitters: Uncertain significance (2). 1 of the submissions does not count toward it. Last evaluated 2024-08-23.

Conditions:
Inborn genetic diseases. Identifiers: MedGen C0950123, MeSH D030342.
2-aminoadipic 2-oxoadipic aciduria (AAKAD). Also called: ALPHA-AMINOADIPIC AND ALPHA-KETOADIPIC ACIDURIA; Aminoadipic aciduria. Identifiers: Orphanet 79154, MedGen C1859817, MONDO:0008774, OMIM 204750.

Allele frequency attached by ClinVar (database versions not stated): TOPMed 0.00002; gnomAD 0.00003; gnomAD exomes 0.00006 and 0.00008; ExAC 0.00007.
gnomAD v4.1: 90 of 1,614,058 alleles (0.0056%); highest among the groups gnomAD compares: South Asian, 0.089%; 2 homozygotes.

Submissions (3):

Labcorp Genetics (formerly Invitae), Labcorp
Classification: Uncertain significance for 2-aminoadipic 2-oxoadipic aciduria. Last evaluated: 2024-08-23. Review status: criteria provided, single submitter. Criteria: Invitae Variant Classification Sherloc (09022015). Collection method: clinical testing. Allele origin: germline.
Comment: This sequence change replaces phenylalanine, which is neutral and non-polar, with leucine, which is neutral and non-polar, at codon 442 of the DHTKD1 protein (p.Phe442Leu). This variant is present in population databases (rs781444343, gnomAD 0.06%). This variant has not been reported in the literature in individuals affected with DHTKD1-related conditions. ClinVar contains an entry for this variant (Variation ID: 1438015). Invitae Evidence Modeling of protein sequence and biophysical properties (such as structural, functional, and spatial information, amino acid conservation, physicochemical variation, residue mobility, and thermodynamic stability) indicates that this missense variant is not expected to disrupt DHTKD1 protein function with a negative predictive value of 80%. In summary, the available evidence is currently insufficient to determine the role of this variant in disease. Therefore, it has been classified as a Variant of Uncertain Significance.

Ambry Genetics
Classification: Uncertain significance for Inborn genetic diseases. Last evaluated: 2023-10-05. Review status: criteria provided, single submitter. Criteria: Ambry Variant Classification Scheme 2023. Collection method: clinical testing. Allele origin: germline.

Genetics and Genomic Medicine Centre, NeuroGen Healthcare, NeuroGen Healthcare
Classification: Uncertain significance. Last evaluated: 2020-12-05. Review status: no assertion criteria provided. Collection method: clinical testing. Allele origin: unknown. Affected: yes. Not counted in ClinVar's aggregate classification.

NM_018706.7(DHTKD1):c.1326C>G (p.Phe442Leu)

Gene: DHTKD1 (dehydrogenase E1 and transketolase domain containing 1; plus strand). Cytogenetic location: 10p14.
Variant type: single nucleotide variant.
Coding change: c.1326C>G on transcript NM_018706.7 (MANE Select); coding-DNA position 1326, C replaced by G.
Protein change: p.Phe442Leu; replaces phenylalanine 442 with leucine.
Molecular consequence: missense variant.
Genome position (GRCh38, 1-based): chr10:12,094,239, C>G. VCF-style: chr10-12094239-C-G. GRCh37 (hg19) VCF-style: chr10-12136238-C-G.
Other names: c.1326C>G (NM_018706.5); short protein forms F442L.
Identifiers: ClinVar variation 1438015 (VCV001438015.9), dbSNP rs781444343, ClinGen allele CA5407809.